The following is an entry in ClinVar:

NM_007294.4(BRCA1):c.5006C>T (p.Ala1669Val)

Gene: BRCA1 (BRCA1 DNA repair associated; minus strand). Cytogenetic location: 17q21.31.
Variant type: single nucleotide variant.
Coding change: c.5006C>T on transcript NM_007294.4 (MANE Select); coding-DNA position 5006, C replaced by T.
Protein change: p.Ala1669Val; replaces alanine 1669 with valine.
Molecular consequence: missense variant. On other transcripts: non-coding transcript variant (1).
Genome position (GRCh38, 1-based): chr17:43,067,676, G>A on the plus strand (C>T on the coding strand, the complement: BRCA1 is on the minus strand). VCF-style: chr17-43067676-G-A. GRCh37 (hg19) VCF-style: chr17-41219693-G-A.
Other names: c.4922C>T, p.Ala1641Val (NM_001407661.1, NM_001407662.1, NM_001407663.1 and 2 more transcripts); c.4883C>T, p.Ala1628Val (NM_001407668.1, NM_001407665.1, NM_001407666.1 and 6 more transcripts); c.4793C>T, p.Ala1598Val (NM_001407571.1, NM_001407894.1, NM_001407895.1 and 12 more transcripts); c.5072C>T, p.Ala1691Val (NM_001407581.1, NM_001407582.1); c.5069C>T, p.Ala1690Val (NM_001407583.1, NM_001407585.1, NM_001407587.1 and 1 more transcripts); c.5066C>T, p.Ala1689Val (NM_001407590.1, NM_001407591.1); c.5006C>T, p.Ala1669Val (NM_001407593.1, NM_001407594.1, NM_001407596.1 and 8 more transcripts); c.5003C>T, p.Ala1668Val (NM_001407610.1, NM_001407611.1, NM_001407612.1 and 17 more transcripts); and 70 more; short protein forms A1669V, A1690V, A1622V, A565V, A1500V, A1557V, A1579V, A1581V.
Identifiers: ClinVar variation 373827 (VCV000373827.12), dbSNP rs1057518640, ClinGen allele CA10591506.

ClinVar aggregate classification (germline): Uncertain significance. Review status: criteria provided, multiple submitters, no conflicts (2 of 4 stars). 4 submissions from 4 submitters: Uncertain significance (4). Last evaluated 2024-04-29.

Conditions:
Hereditary cancer-predisposing syndrome. Also called: Tumor predisposition; Hereditary neoplastic syndrome; Neoplastic Syndromes, Hereditary; Hereditary Cancer Syndrome. Identifiers: Orphanet 140162, MedGen C0027672, MeSH D009386, MONDO:0015356.
Breast neoplasm. Also called: Neoplasm of breast; Breast tumor; Breast Neoplasms; Neoplasm of the breast. Identifiers: MedGen C1458155, MeSH D001943, MONDO:0021100, HP:0100013. Disease mechanism: gain of function.
Hereditary breast ovarian cancer syndrome. Also called: Hereditary breast and ovarian cancer syndrome (HBOC); Breast and ovarian cancer; Hereditary breast and ovarian cancer; Hereditary breast and ovarian cancer syndrome; BRCA1- and BRCA2-Associated Hereditary Breast and Ovarian Cancer; Hereditary breast and/or ovarian cancer syndrome. Identifiers: Orphanet 145, MedGen C0677776, MeSH D061325, MONDO:0003582. Disease mechanism: loss of function.

Submissions (4):

Labcorp Genetics (formerly Invitae), Labcorp
Classification: Uncertain significance for Hereditary breast ovarian cancer syndrome. Last evaluated: 2024-04-29. Review status: criteria provided, single submitter. Criteria: Invitae Variant Classification Sherloc (09022015). Collection method: clinical testing. Allele origin: germline.
Comment: This sequence change replaces alanine, which is neutral and non-polar, with valine, which is neutral and non-polar, at codon 1669 of the BRCA1 protein (p.Ala1669Val). This variant is not present in population databases (gnomAD no frequency). This missense change has been observed in individual(s) with breast cancer (PMID: 23469205, 29868112). This variant is also known as c.5125C>T. ClinVar contains an entry for this variant (Variation ID: 373827). Advanced modeling of protein sequence and biophysical properties (such as structural, functional, and spatial information, amino acid conservation, physicochemical variation, residue mobility, and thermodynamic stability) performed at Invitae indicates that this missense variant is not expected to disrupt BRCA1 protein function with a negative predictive value of 95%. Experimental studies have shown that this missense change does not substantially affect BRCA1 function (PMID: 30209399, 30765603). In summary, the available evidence is currently insufficient to determine the role of this variant in disease. Therefore, it has been classified as a Variant of Uncertain Significance.

Ambry Genetics
Classification: Uncertain significance for Hereditary cancer-predisposing syndrome. Last evaluated: 2023-04-28. Review status: criteria provided, single submitter. Criteria: Ambry Variant Classification Scheme 2023. Collection method: clinical testing. Allele origin: germline.
Comment: The p.A1669V variant (also known as c.5006C>T), located in coding exon 15 of the BRCA1 gene, results from a C to T substitution at nucleotide position 5006. The alanine at codon 1669 is replaced by valine, an amino acid with similar properties. This alteration was identified in an individual diagnosed with a triple negative breast cancer (Torrezan GT et al. Front Genet, 2018 May;9:161). This amino acid position is highly conserved in available vertebrate species. In addition, the in silico prediction for this alteration is inconclusive. Since supporting evidence is limited at this time, the clinical significance of this alteration remains unclear.

Color Diagnostics, LLC DBA Color Health
Classification: Uncertain significance for Hereditary cancer-predisposing syndrome. Last evaluated: 2021-09-16. Review status: criteria provided, single submitter. Criteria: ACMG Guidelines, 2015. Collection method: clinical testing. Allele origin: germline.
Comment: This missense variant replaces alanine with valine at codon 1669 of the BRCA1 protein. Computational prediction is inconclusive regarding the impact of this variant on protein structure and function (internally defined REVEL score threshold 0.5 < inconclusive < 0.7, PMID: 27666373). To our knowledge, functional studies have not been reported for this variant. This variant has been reported in at least one individual affected with breast cancer (PMID: 23469205, 29868112). This variant has not been identified in the general population by the Genome Aggregation Database (gnomAD). The available evidence is insufficient to determine the role of this variant in disease conclusively. Therefore, this variant is classified as a Variant of Uncertain Significance.

Clinical and Functional Genomics Group, A.C.Camargo Cancer Center
Classification: Uncertain significance for Breast Cancer. Review status: criteria provided, single submitter. Criteria: Carraro et al. (PLoS One. 2013). Collection method: research. Allele origin: germline. Affected: yes.

Literature cited by the submitters: PubMed 23469205 (cited by Labcorp Genetics (formerly Invitae), Labcorp and Color Diagnostics, LLC DBA Color Health); PubMed 29868112 (cited by 3 submitters); PubMed 30209399 (cited by Labcorp Genetics (formerly Invitae), Labcorp); PubMed 30765603 (cited by Labcorp Genetics (formerly Invitae), Labcorp); PubMed 24884479 (cited by Clinical and Functional Genomics Group, A.C.Camargo Cancer Center).